The following is an entry in ClinVar:

ClinVar aggregate classification (germline): Uncertain significance. Review status: criteria provided, multiple submitters, no conflicts (2 of 4 stars). 3 submissions from 3 submitters: Uncertain significance (3). Last evaluated 2025-02-05.

Conditions:
Inborn genetic diseases. Identifiers: MedGen C0950123, MeSH D030342.

Allele frequency attached by ClinVar (database versions not stated): gnomAD exomes below 0.00001; ExAC 0.00001; gnomAD 0.00001; TOPMed 0.00002.

Submissions (3):

Ambry Genetics
Classification: Uncertain significance for Inborn genetic diseases. Last evaluated: 2025-02-05. Review status: criteria provided, single submitter. Criteria: Ambry Variant Classification Scheme 2023. Collection method: clinical testing. Allele origin: germline.
Comment: The p.E718A variant (also known as c.2153A>C), located in coding exon 20 of the ANKRD26 gene, results from an A to C substitution at nucleotide position 2153. The glutamic acid at codon 718 is replaced by alanine, an amino acid with dissimilar properties. This amino acid position is conserved. In addition, this alteration is predicted to be tolerated by in silico analysis. Based on the available evidence, the clinical significance of this variant remains unclear.

Labcorp Genetics (formerly Invitae), Labcorp
Classification: Uncertain significance. Last evaluated: 2023-01-22. Review status: criteria provided, single submitter. Criteria: Invitae Variant Classification Sherloc (09022015). Collection method: clinical testing. Allele origin: germline.
Comment: In summary, the available evidence is currently insufficient to determine the role of this variant in disease. Therefore, it has been classified as a Variant of Uncertain Significance. Algorithms developed to predict the effect of missense changes on protein structure and function output the following: SIFT: "Tolerated"; PolyPhen-2: "Benign"; Align-GVGD: "Class C0". The alanine amino acid residue is found in multiple mammalian species, which suggests that this missense change does not adversely affect protein function. This variant has not been reported in the literature in individuals affected with ANKRD26-related conditions. This variant is present in population databases (rs781484447, gnomAD 0.03%). This sequence change replaces glutamic acid, which is acidic and polar, with alanine, which is neutral and non-polar, at codon 718 of the ANKRD26 protein (p.Glu718Ala).

GeneDx
Classification: Uncertain significance. Last evaluated: 2022-08-03. Review status: criteria provided, single submitter. Criteria: GeneDx Variant Classification Process June 2021. Collection method: clinical testing. Allele origin: germline. Affected: yes.
Comment: In silico analysis supports that this missense variant has a deleterious effect on protein structure/function; Has not been previously published as pathogenic or benign to our knowledge

NM_014915.3(ANKRD26):c.2153A>C (p.Glu718Ala)

Gene: ANKRD26 (ankyrin repeat domain 26; minus strand). Cytogenetic location: 10p12.1.
Variant type: single nucleotide variant.
Coding change: c.2153A>C on transcript NM_014915.3 (MANE Select); coding-DNA position 2153, A replaced by C.
Protein change: p.Glu718Ala; replaces glutamic acid 718 with alanine.
Molecular consequence: missense variant.
Genome position (GRCh38, 1-based): chr10:27,043,434, T>G on the plus strand (A>C on the coding strand, the complement: ANKRD26 is on the minus strand). VCF-style: chr10-27043434-T-G. GRCh37 (hg19) VCF-style: chr10-27332363-T-G.
Other names: c.2150A>C, p.Glu717Ala (NM_001256053.2); short protein forms E717A, E718A.
Identifiers: ClinVar variation 2428819 (VCV002428819.7), dbSNP rs781484447, ClinGen allele CA5448294.